The following is an entry in ClinVar:

NM_213647.3(FGFR4):c.738G>A (p.Pro246=)

Gene: FGFR4 (fibroblast growth factor receptor 4; plus strand). Cytogenetic location: 5q35.2.
Variant type: single nucleotide variant.
Coding change: c.738G>A on transcript NM_213647.3 (MANE Select); coding-DNA position 738, G replaced by A.
Protein change: p.Pro246=; no amino-acid change (proline 246 retained).
Molecular consequence: synonymous variant.
Genome position (GRCh38, 1-based): chr5:177,092,331, G>A. VCF-style: chr5-177092331-G-A. GRCh37 (hg19) VCF-style: chr5-176519332-G-A.
Other names: c.738G>A, p.Pro246= (NM_001291980.2, NM_001354984.2, NM_002011.5 and 1 more transcripts).
Identifiers: ClinVar variation 3056656 (VCV003056656.2), dbSNP rs374603394, ClinGen allele CA3576132.

ClinVar aggregate classification (germline): Likely benign (0 of 4 stars; one submission).

Conditions:
FGFR4-related disorder. Also called: FGFR4-related condition.

Allele frequency attached by ClinVar (database versions not stated): ExAC 0.00005; TOPMed 0.00006; ESP Exome Variant Server 0.00008.
gnomAD v4.1: 63 of 1,583,390 alleles (0.004%); highest among the groups gnomAD compares: South Asian, 0.0057%; no homozygotes.

Submission:

PreventionGenetics, part of Exact Sciences
Classification: Likely benign for FGFR4-related condition. Last evaluated: 2019-07-10. Review status: no assertion criteria provided. Collection method: clinical testing. Allele origin: germline.
Comment: This variant is classified as likely benign based on ACMG/AMP sequence variant interpretation guidelines (Richards et al. 2015 PMID: 25741868, with internal and published modifications).